The following is an entry in ClinVar:

ClinVar aggregate classification (germline): Conflicting classifications of pathogenicity. Review status: criteria provided, conflicting classifications (1 of 4 stars). 2 submissions from 2 submitters: Uncertain significance (1); Likely benign (1). Last evaluated 2026-06-18.

Conditions:
CREBBP-related disorder. Also called: CREBBP-related condition; CREBBP-related disorders.
Rubinstein-Taybi syndrome (RSTS). Identifiers: Orphanet 783, MedGen C0035934, MONDO:0019188.

Allele frequency attached by ClinVar (database versions not stated): TOPMed 0.00002.
gnomAD v4.1: 35 of 1,613,944 alleles (0.0022%); highest among the groups gnomAD compares: Middle Eastern, 0.016%; no homozygotes.

Submissions (2):

PreventionGenetics, part of Exact Sciences
Classification: Uncertain significance for CREBBP-related condition. Last evaluated: 2026-06-18. Review status: criteria provided, single submitter. Criteria: ACMG Guidelines, 2015. Collection method: clinical testing. Allele origin: germline.
Comment: The CREBBP c.3883G>A variant is predicted to result in the amino acid substitution p.Val1295Ile. To our knowledge, this variant has not been reported in the literature. This variant is reported in 0.0065% of alleles in individuals of South Asian descent in gnomAD. At this time, the clinical significance of this variant is uncertain due to the absence of conclusive functional and genetic evidence.

Labcorp Genetics (formerly Invitae), Labcorp
Classification: Likely benign for Rubinstein-Taybi syndrome. Last evaluated: 2025-06-12. Review status: criteria provided, single submitter. Criteria: Invitae Variant Classification Sherloc (09022015). Collection method: clinical testing. Allele origin: germline.

NM_004380.3(CREBBP):c.3883G>A (p.Val1295Ile)

Gene: CREBBP (CREB binding lysine acetyltransferase; minus strand). Cytogenetic location: 16p13.3.
Variant type: single nucleotide variant.
Coding change: c.3883G>A on transcript NM_004380.3 (MANE Select); coding-DNA position 3883, G replaced by A.
Protein change: p.Val1295Ile; replaces valine 1295 with isoleucine.
Molecular consequence: missense variant.
Genome position (GRCh38, 1-based): chr16:3,745,308, C>T on the plus strand (G>A on the coding strand, the complement: CREBBP is on the minus strand). VCF-style: chr16-3745308-C-T. GRCh37 (hg19) VCF-style: chr16-3795309-C-T.
Other names: c.3769G>A, p.Val1257Ile (NM_001079846.1); c.3883G>A (NM_004380.2); short protein forms V1257I, V1295I.
Identifiers: ClinVar variation 2159895 (VCV002159895.5), dbSNP rs559939930, ClinGen allele CA7869697.